The following is an entry in ClinVar:

ClinVar aggregate classification (germline): Pathogenic (1 of 4 stars; one submission).

Conditions:
Fanconi anemia (FA). Also called: Fanconi's anemia. Identifiers: Orphanet 84, MedGen C0015625, MeSH D005199, MONDO:0019391.

Submission:

Labcorp Genetics (formerly Invitae), Labcorp
Classification: Pathogenic for Fanconi anemia. Last evaluated: 2022-09-19. Review status: criteria provided, single submitter. Criteria: Invitae Variant Classification Sherloc (09022015). Collection method: clinical testing. Allele origin: germline.
Comment: For these reasons, this variant has been classified as Pathogenic. This variant has not been reported in the literature in individuals affected with FANCC-related conditions. This variant is a gross deletion of the genomic region encompassing exon(s) 7-8 of the FANCC gene. This deletion is out-of-frame, and is expected to create a premature termination codon and result in an absent or disrupted protein product. Loss-of-function variants in FANCC are known to be pathogenic (PMID: 17924555).

Literature cited by the submitters: PubMed 17924555.

NC_000009.11:g.(?_97897618)_(97912379_?)del

Gene: FANCC (FA complementation group C; minus strand). Cytogenetic location: 9q22.32.
Variant type: Deletion.
Identifiers: ClinVar variation 2422436 (VCV002422436.4).